The following is an entry in ClinVar:

NM_000038.6(APC):c.5152G>A (p.Ala1718Thr)

Gene: APC (APC regulator of Wnt signaling pathway; plus strand). Cytogenetic location: 5q22.2.
Variant type: single nucleotide variant.
Coding change: c.5152G>A on transcript NM_000038.6 (MANE Select); coding-DNA position 5152, G replaced by A.
Protein change: p.Ala1718Thr; replaces alanine 1718 with threonine.
Molecular consequence: missense variant.
Genome position (GRCh38, 1-based): chr5:112,840,746, G>A. VCF-style: chr5-112840746-G-A. GRCh37 (hg19) VCF-style: chr5-112176443-G-A.
Other names: c.5152G>A, p.Ala1718Thr (NM_001127510.3, NM_001354895.2); c.5098G>A, p.Ala1700Thr (NM_001127511.3); c.5206G>A, p.Ala1736Thr (NM_001354896.2); c.5182G>A, p.Ala1728Thr (NM_001354897.2); c.5077G>A, p.Ala1693Thr (NM_001354898.2); c.5068G>A, p.Ala1690Thr (NM_001354899.2); c.5029G>A, p.Ala1677Thr (NM_001354900.2); c.4975G>A, p.Ala1659Thr (NM_001354901.2); and 6 more; short protein forms A1592T, A1617T, A1435T, A1693T, A1700T, A1627T, A1659T, A1677T.
Identifiers: ClinVar variation 1398165 (VCV001398165.8), dbSNP rs2149933300, ClinGen allele CA16032591.

ClinVar aggregate classification (germline): Conflicting classifications of pathogenicity. Review status: criteria provided, conflicting classifications (1 of 4 stars). 2 submissions from 2 submitters: Uncertain significance (1); Likely benign (1). Last evaluated 2023-03-02.

Conditions:
Hereditary cancer-predisposing syndrome. Also called: Hereditary Cancer Syndrome; Hereditary neoplastic syndrome; Tumor predisposition; Neoplastic Syndromes, Hereditary. Identifiers: Orphanet 140162, MedGen C0027672, MeSH D009386, MONDO:0015356.
Familial adenomatous polyposis 1 (FAP1). Also called: FAMILIAL ADENOMATOUS POLYPOSIS 1, ATTENUATED; POLYPOSIS, ADENOMATOUS INTESTINAL. Identifiers: MedGen C2713442, MONDO:0021056, OMIM 175100. Disease mechanism: loss of function.

gnomAD v4.1: 2 of 1,614,096 alleles (0.00012%); highest among the groups gnomAD compares: Middle Eastern, 0.016%; no homozygotes.

Submissions (2):

Ambry Genetics
Classification: Likely benign for Hereditary cancer-predisposing syndrome. Last evaluated: 2023-03-02. Review status: criteria provided, single submitter. Criteria: Ambry Variant Classification Scheme 2023. Collection method: clinical testing. Allele origin: germline.

Labcorp Genetics (formerly Invitae), Labcorp
Classification: Uncertain significance for Familial adenomatous polyposis 1. Last evaluated: 2021-11-02. Review status: criteria provided, single submitter. Criteria: Invitae Variant Classification Sherloc (09022015). Collection method: clinical testing. Allele origin: germline.
Comment: In summary, the available evidence is currently insufficient to determine the role of this variant in disease. Therefore, it has been classified as a Variant of Uncertain Significance. Algorithms developed to predict the effect of missense changes on protein structure and function output the following: SIFT: "Tolerated"; PolyPhen-2: "Benign"; Align-GVGD: "Class C0". The threonine amino acid residue is found in multiple mammalian species, which suggests that this missense change does not adversely affect protein function. This variant has not been reported in the literature in individuals affected with APC-related conditions. This variant is not present in population databases (gnomAD no frequency). This sequence change replaces alanine, which is neutral and non-polar, with threonine, which is neutral and polar, at codon 1718 of the APC protein (p.Ala1718Thr).